The following is an entry in ClinVar:

ClinVar aggregate classification (germline): Uncertain significance (1 of 4 stars; one submission).

Conditions:
Hereditary cancer-predisposing syndrome. Also called: Hereditary Cancer Syndrome; Hereditary neoplastic syndrome; Tumor predisposition; Neoplastic Syndromes, Hereditary. Identifiers: Orphanet 140162, MedGen C0027672, MeSH D009386, MONDO:0015356.
Cardiovascular phenotype. Identifiers: MedGen CN230736.

Submission:

Ambry Genetics
Classification: Uncertain significance for Cardiovascular phenotype; Hereditary cancer-predisposing syndrome. Last evaluated: 2024-10-15. Review status: criteria provided, single submitter. Criteria: Ambry Variant Classification Scheme 2023. Collection method: clinical testing. Allele origin: germline.
Comment: The p.T266S variant (also known as c.796A>T), located in coding exon 9 of the LZTR1 gene, results from an A to T substitution at nucleotide position 796. The threonine at codon 266 is replaced by serine, an amino acid with similar properties. This amino acid position is conserved. In addition, this alteration is predicted to be tolerated by in silico analysis. Based on the available evidence, the clinical significance of this variant remains unclear.

NM_006767.4(LZTR1):c.796A>T (p.Thr266Ser)

Gene: LZTR1 (leucine zipper like post translational regulator 1; plus strand). Cytogenetic location: 22q11.21.
Variant type: single nucleotide variant.
Coding change: c.796A>T on transcript NM_006767.4 (MANE Select); coding-DNA position 796, A replaced by T.
Protein change: p.Thr266Ser; replaces threonine 266 with serine.
Molecular consequence: missense variant.
Genome position (GRCh38, 1-based): chr22:20,991,632, A>T. VCF-style: chr22-20991632-A-T. GRCh37 (hg19) VCF-style: chr22-21345921-A-T.
Other names: short protein forms T266S.
Identifiers: ClinVar variation 3541657 (VCV003541657.1).
Genomic context (GRCh38, chr22:20,991,632, plus strand): 5'-CCGAGGGTGAGCAGGAGCCCCTGTCCCAGCATTGATTCACTGTTGTGTACCCCCAGGTGG[A>T]CACGCATCCCAACTGAACACCTGCTCCGGGGCTCCCCACCACCCCCGCAGCGGCGCTACG-3'
Protein context (NP_006758.2, residues 256-276): FQFEFKDKTW[Thr266Ser]RIPTEHLLRG